The following is an entry in ClinVar:

NM_024592.5(SRD5A3):c.*1859C>T

Genes: SRD5A3 (steroid 5 alpha-reductase 3; plus strand), SRD5A3-AS1 (SRD5A3 antisense RNA 1; minus strand). Cytogenetic location: 4q12.
Variant type: single nucleotide variant.
Coding change: c.*1859C>T on transcript NM_024592.5 (MANE Select); 1859 bases downstream of the stop codon, C replaced by T.
Molecular consequence: 3 prime UTR variant.
Genome position (GRCh38, 1-based): chr4:55,371,950, C>T. VCF-style: chr4-55371950-C-T. GRCh37 (hg19) VCF-style: chr4-56238117-C-T.
Identifiers: ClinVar variation 349031 (VCV000349031.5), dbSNP rs1047343, ClinGen allele CA10617908.

ClinVar aggregate classification (germline): Benign (1 of 4 stars; one submission).

Conditions:
SRD5A3-congenital disorder of glycosylation. Also called: CDG Iq; COLOBOMA, OCULAR, WITH ICHTHYOSIS, BRAIN MALFORMATIONS, AND ENDOCRINE ABNORMALITIES; Ocular colobomas, ichthyosis, brain malformations and endocrine abnormalities; Congenital disorder of glycosylation type 1Q; SRD5A3-CDG. Identifiers: Orphanet 324737, MedGen C4317224, MONDO:0012885, OMIM 612379.

Allele frequency attached by ClinVar (database versions not stated): gnomAD 0.01410 and 0.01513; 1000 Genomes Project 0.01418; 1000 Genomes Project 30x 0.01437; TOPMed 0.01592.

Submission:

Illumina Laboratory Services, Illumina
Classification: Benign for SRD5A3-congenital disorder of glycosylation. Last evaluated: 2018-01-13. Review status: criteria provided, single submitter. Criteria: ICSL Variant Classification Criteria 13 December 2019. Collection method: clinical testing. Allele origin: germline.
Comment: This variant was observed in the ICSL laboratory as part of a predisposition screen in an ostensibly healthy population. It had not been previously curated by ICSL or reported in the Human Gene Mutation Database (HGMD: prior to June 1st, 2018), and was therefore a candidate for classification through an automated scoring system. Utilizing variant allele frequency, disease prevalence and penetrance estimates, and inheritance mode, an automated score was calculated to assess if this variant is too frequent to cause the disease. Based on the score and internal cut-off values, a variant classified as benign is not then subjected to further curation. The score for this variant resulted in a classification of benign for this disease.